The following is an entry in ClinVar:

ClinVar aggregate classification (germline): Benign/Likely benign. Review status: criteria provided, multiple submitters, no conflicts (2 of 4 stars). 2 submissions from 2 submitters: Benign (1); Likely benign (1). Last evaluated 2025-01-02.

Conditions:
Hereditary cancer-predisposing syndrome. Also called: Tumor predisposition; Hereditary Cancer Syndrome; Hereditary neoplastic syndrome; Neoplastic Syndromes, Hereditary. Identifiers: Orphanet 140162, MedGen C0027672, MeSH D009386, MONDO:0015356.
Lynch syndrome 5 (LYNCH5). Also called: Hereditary non-polyposis colorectal cancer, type 5; Colorectal cancer, hereditary nonpolyposis, type 5. Identifiers: Orphanet 144, MedGen C1833477, MONDO:0013710, OMIM 614350. Disease mechanism: loss of function.

gnomAD v4.1: 1 of 1,614,208 alleles (0.000062%); highest among the groups gnomAD compares: Non-Finnish European, 0.000085%; no homozygotes.

Submissions (2):

Myriad Genetics, Inc.
Classification: Benign for Lynch syndrome 5. Last evaluated: 2025-01-02. Review status: criteria provided, single submitter. Criteria: Myriad Autosomal Dominant, Autosomal Recessive and X-Linked Classification Criteria (2023). Collection method: clinical testing. Allele origin: unknown.
Comment: This variant is considered benign. This variant is a silent/synonymous amino acid change and it is not expected to impact splicing.

Ambry Genetics
Classification: Likely benign for Hereditary cancer-predisposing syndrome. Last evaluated: 2017-07-07. Review status: criteria provided, single submitter. Criteria: Ambry Variant Classification Scheme 2023. Collection method: clinical testing. Allele origin: germline.

NM_000179.3(MSH6):c.2713T>C (p.Leu905=)

Gene: MSH6 (mutS homolog 6; plus strand). Cytogenetic location: 2p16.3.
Variant type: single nucleotide variant.
Coding change: c.2713T>C on transcript NM_000179.3 (MANE Select); coding-DNA position 2713, T replaced by C.
Protein change: p.Leu905=; no amino-acid change (leucine 905 retained).
Molecular consequence: synonymous variant.
Genome position (GRCh38, 1-based): chr2:47,800,696, T>C. VCF-style: chr2-47800696-T-C. GRCh37 (hg19) VCF-style: chr2-48027835-T-C.
Other names: c.2323T>C, p.Leu775= (NM_001281492.2); c.1807T>C, p.Leu603= (NM_001281493.2, NM_001281494.2).
Identifiers: ClinVar variation 485886 (VCV000485886.6), dbSNP rs747486855, ClinGen allele CA426122076.
Genomic context (GRCh38, chr2:47,800,696, plus strand): 5'-AAAATCCTTAAGCAGGTCATCTCTCTGCAGACAAAAAATCCTGAAGGTCGTTTTCCTGAT[T>C]TGACTGTAGAATTGAACCGATGGGATACAGCCTTTGACCATGAAAAGGCTCGAAAGACTG-3'
Protein context (NP_000170.1, residues 895-915): TKNPEGRFPD[Leu905=]TVELNRWDTA